The following is an entry in ClinVar:

NM_002241.5(KCNJ10):c.811C>T (p.Arg271Cys)

Gene: KCNJ10 (potassium inwardly rectifying channel subfamily J member 10; minus strand). Cytogenetic location: 1q23.2.
Variant type: single nucleotide variant.
Coding change: c.811C>T on transcript NM_002241.5 (MANE Select); coding-DNA position 811, C replaced by T.
Protein change: p.Arg271Cys; replaces arginine 271 with cysteine.
Molecular consequence: missense variant.
Genome position (GRCh38, 1-based): chr1:160,041,722, G>A on the plus strand (C>T on the coding strand, the complement: KCNJ10 is on the minus strand). VCF-style: chr1-160041722-G-A. GRCh37 (hg19) VCF-style: chr1-160011512-G-A.
Other names: p.R271C:CGC>TGC; short protein forms R271C.
Identifiers: ClinVar variation 129317 (VCV000129317.29), dbSNP rs1130183, ClinGen allele CA288916.
Genomic context (GRCh38, chr1:160,041,722, plus strand): 5'-TGGTGGACTCCACTGTCCCACTTAGGATCAGCACCAGCTCAAAGTCACCCTCACCACTGC[G>A]AAGAGGGAGATCTTTCAAGGGACTGGTCTCATCTACCACATGATAGAAGGTAAGGGGTAG-3'
Protein context (NP_002232.2, residues 261-281): ETSPLKDLPL[Arg271Cys]SGEGDFELVL

ClinVar aggregate classification (germline): Benign/Likely benign. Review status: criteria provided, multiple submitters, no conflicts (2 of 4 stars). 10 submissions from 9 submitters: Benign (7); Likely benign (2). 1 of the submissions does not count toward it. Last evaluated 2026-02-04.

Conditions:
Inborn genetic diseases. Identifiers: MedGen C0950123, MeSH D030342.
EAST syndrome (SESAMES). Also called: SEIZURES, SENSORINEURAL DEAFNESS, ATAXIA, IMPAIRED INTELLECTUAL DEVELOPMENT, AND ELECTROLYTE IMBALANCE. Identifiers: Orphanet 199343, MedGen C2748572, MONDO:0013005, OMIM 612780.
Autosomal recessive nonsyndromic hearing loss 4 (DFNB4). Also called: FOXI1-Related Pendred Syndrome; KCNJ10-Related Pendred Syndrome; DEAFNESS, AUTOSOMAL RECESSIVE 4, WITH ENLARGED VESTIBULAR AQUEDUCT, DIGENIC; Deafness, autosomal recessive 4, with enlarged vestibular aqueduct; Enlarged vestibular aqueduct, digenic; Deafness, autosomal recessive 4. Identifiers: Orphanet 90636, MedGen C3538946, MONDO:0010933, OMIM 600791.

Allele frequency attached by ClinVar (database versions not stated): 1000 Genomes Project 0.01478; 1000 Genomes Project 30x 0.01562; TOPMed 0.04002; gnomAD 0.04539 and 0.04770; ExAC 0.04567; gnomAD exomes 0.04580 and 0.06342; ESP Exome Variant Server 0.04767.
gnomAD v4.1: 98,731 of 1,614,064 alleles (6.1%); highest among the groups gnomAD compares: Non-Finnish European, 7.3%; 3,561 homozygotes.

Submissions (10):

Labcorp Genetics (formerly Invitae), Labcorp
Classification: Benign for EAST syndrome. Last evaluated: 2026-02-04. Review status: criteria provided, single submitter. Criteria: Invitae Variant Classification Sherloc (09022015). Collection method: clinical testing. Allele origin: germline.

Mayo Clinic Laboratories, Mayo Clinic
Classification: Benign. Last evaluated: 2023-02-24. Review status: criteria provided, single submitter. Criteria: ACMG Guidelines, 2015. Collection method: clinical testing. Allele origin: germline. Observed: 118 variant alleles.
Comment: BA1

Illumina Laboratory Services, Illumina
Classification: Likely benign for Autosomal recessive nonsyndromic hearing loss 4. Last evaluated: 2018-01-13. Review status: criteria provided, single submitter. Criteria: ICSL Variant Classification Criteria 13 December 2019. Collection method: clinical testing. Allele origin: germline.
Comment: This variant was observed in the ICSL laboratory as part of a predisposition screen in an ostensibly healthy population. It had not been previously curated by ICSL or reported in the Human Gene Mutation Database (HGMD: prior to June 1st, 2018), and was therefore a candidate for classification through an automated scoring system. Utilizing variant allele frequency, disease prevalence and penetrance estimates, and inheritance mode, an automated score was calculated to assess if this variant is too frequent to cause the disease. Based on the score and internal cut-off values, a variant classified as likely benign is not then subjected to further curation. The score for this variant resulted in a classification of likely benign for this disease.

Illumina Laboratory Services, Illumina
Classification: Benign for EAST syndrome. Last evaluated: 2018-01-13. Review status: criteria provided, single submitter. Criteria: ICSL Variant Classification Criteria 13 December 2019. Collection method: clinical testing. Allele origin: germline.
Comment: This variant was observed in the ICSL laboratory as part of a predisposition screen in an ostensibly healthy population. It had not been previously curated by ICSL or reported in the Human Gene Mutation Database (HGMD: prior to June 1st, 2018), and was therefore a candidate for classification through an automated scoring system. Utilizing variant allele frequency, disease prevalence and penetrance estimates, and inheritance mode, an automated score was calculated to assess if this variant is too frequent to cause the disease. Based on the score and internal cut-off values, a variant classified as benign is not then subjected to further curation. The score for this variant resulted in a classification of benign for this disease.

Ambry Genetics
Classification: Benign for Inborn genetic diseases. Last evaluated: 2016-04-14. Review status: criteria provided, single submitter. Criteria: Ambry Variant Classification Scheme 2023. Collection method: clinical testing. Allele origin: germline.

Eurofins Ntd Llc (ga)
Classification: Benign. Last evaluated: 2014-07-15. Review status: criteria provided, single submitter. Criteria: EGL Classification Definitions 2015. Collection method: clinical testing. Allele origin: germline. Observed: 1 variant allele, 1 heterozygote.

GeneDx
Classification: Benign. Last evaluated: 2013-11-04. Review status: criteria provided, single submitter. Criteria: GeneDx Variant Classification (06012015). Collection method: clinical testing. Allele origin: germline. Affected: yes.
Comment: This variant is considered likely benign or benign based on one or more of the following criteria: it is a conservative change, it occurs at a poorly conserved position in the protein, it is predicted to be benign by multiple in silico algorithms, and/or has population frequency not consistent with disease.

Breakthrough Genomics
Classification: Likely benign. Review status: criteria provided, single submitter. Criteria: ACMG Guidelines, 2015. Collection method: not provided. Allele origin: germline. Inheritance: Autosomal recessive inheritance. Affected: yes.

PreventionGenetics, part of Exact Sciences
Classification: Benign. Review status: criteria provided, single submitter. Criteria: ACMG Guidelines, 2015. Collection method: clinical testing. Allele origin: germline.

Genetic Services Laboratory, University of Chicago
Classification: Likely benign for AllHighlyPenetrant. Review status: no assertion criteria provided. Collection method: clinical testing. Allele origin: germline. Inheritance: Autosomal recessive inheritance. Not counted in ClinVar's aggregate classification.
Comment: Likely benign based on allele frequency in 1000 Genomes Project or ESP global frequency and its presence in a patient with a rare or unrelated disease phenotype. NOT Sanger confirmed.